The following is an entry in ClinVar:

NM_001365951.3(KIF1B):c.2978T>C (p.Val993Ala)

Gene: KIF1B (kinesin family member 1B; plus strand). Cytogenetic location: 1p36.22.
Variant type: single nucleotide variant.
Coding change: c.2978T>C on transcript NM_001365951.3 (MANE Select); coding-DNA position 2978, T replaced by C.
Protein change: p.Val993Ala; replaces valine 993 with alanine.
Molecular consequence: missense variant.
Genome position (GRCh38, 1-based): chr1:10,334,573, T>C. VCF-style: chr1-10334573-T-C. GRCh37 (hg19) VCF-style: chr1-10394631-T-C.
Other names: c.2978T>C, p.Val993Ala (NM_001365952.1); c.2840T>C, p.Val947Ala (NM_015074.3); short protein forms V947A, V993A.
Identifiers: ClinVar variation 3864116 (VCV003864116.1).
Genomic context (GRCh38, chr1:10,334,573, plus strand): 5'-TCTTTAGGGCATTTGTTTACCTGAGCAATCTGCTGTATCCCGTGCCCCTGATCCACAGGG[T>C]GGCCATCGTCAGTGAGAAAGGTGAAGTGCGGGGATTTCTGCGTGTGGCTGTACAGGCCAT-3'
Protein context (NP_001352880.1, residues 983-1003): LLYPVPLIHR[Val993Ala]AIVSEKGEVR

ClinVar aggregate classification (germline): Uncertain significance (1 of 4 stars; one submission).

gnomAD v4.1: 2 of 1,614,090 alleles (0.00012%); highest among the groups gnomAD compares: Non-Finnish European, 0.00017%; no homozygotes.

Submission:

Ambry Genetics
Classification: Uncertain significance. Last evaluated: 2025-03-02. Review status: criteria provided, single submitter. Criteria: Ambry Variant Classification Scheme 2023. Collection method: clinical testing. Allele origin: germline.
Comment: The p.V947A variant (also known as c.2840T>C), located in coding exon 25 of the KIF1B gene, results from a T to C substitution at nucleotide position 2840. The valine at codon 947 is replaced by alanine, an amino acid with similar properties. This amino acid position is conserved. In addition, this alteration is predicted to be tolerated by in silico analysis. Based on the available evidence, the clinical significance of this variant remains unclear.